The following is an entry in ClinVar:

NM_015331.3(NCSTN):c.1310C>T (p.Ser437Phe)

Gene: NCSTN (nicastrin; plus strand). Cytogenetic location: 1q23.2.
Variant type: single nucleotide variant.
Coding change: c.1310C>T on transcript NM_015331.3 (MANE Select); coding-DNA position 1310, C replaced by T.
Protein change: p.Ser437Phe; replaces serine 437 with phenylalanine.
Molecular consequence: missense variant.
Genome position (GRCh38, 1-based): chr1:160,354,248, C>T. VCF-style: chr1-160354248-C-T. GRCh37 (hg19) VCF-style: chr1-160324038-C-T.
Other names: c.1310C>T (NM_015331.2); c.1250C>T, p.Ser417Phe (NM_001290184.2); c.896C>T, p.Ser299Phe (NM_001290186.2); c.1310C>T, p.Ser437Phe (NM_001349729.2); short protein forms S437F, S299F, S417F.
Identifiers: ClinVar variation 1898155 (VCV001898155.7), dbSNP rs752674285, ClinGen allele CA1198954.

ClinVar aggregate classification (germline): Uncertain significance. Review status: criteria provided, multiple submitters, no conflicts (2 of 4 stars). 2 submissions from 2 submitters: Uncertain significance (2). Last evaluated 2025-08-06.

Conditions:
Inborn genetic diseases. Identifiers: MedGen C0950123, MeSH D030342.

Allele frequency attached by ClinVar (database versions not stated): gnomAD exomes below 0.00001; ExAC 0.00001; gnomAD 0.00001.
gnomAD v4.1: 7 of 1,614,080 alleles (0.00043%); highest among the groups gnomAD compares: African/African-American, 0.0027%; no homozygotes.

Submissions (2):

Labcorp Genetics (formerly Invitae), Labcorp
Classification: Uncertain significance. Last evaluated: 2025-08-06. Review status: criteria provided, single submitter. Criteria: Invitae Variant Classification Sherloc (09022015). Collection method: clinical testing. Allele origin: germline.
Comment: This sequence change replaces serine, which is neutral and polar, with phenylalanine, which is neutral and non-polar, at codon 437 of the NCSTN protein (p.Ser437Phe). This variant is present in population databases (rs752674285, gnomAD 0.003%). This variant has not been reported in the literature in individuals affected with NCSTN-related conditions. ClinVar contains an entry for this variant (Variation ID: 1898155). Invitae Evidence Modeling of protein sequence and biophysical properties (such as structural, functional, and spatial information, amino acid conservation, physicochemical variation, residue mobility, and thermodynamic stability) indicates that this missense variant is expected to disrupt NCSTN protein function with a positive predictive value of 80%. In summary, the available evidence is currently insufficient to determine the role of this variant in disease. Therefore, it has been classified as a Variant of Uncertain Significance.

Ambry Genetics
Classification: Uncertain significance for Inborn genetic diseases. Last evaluated: 2023-03-29. Review status: criteria provided, single submitter. Criteria: Ambry Variant Classification Scheme 2023. Collection method: clinical testing. Allele origin: germline.